The following is an entry in ClinVar:

NM_000044.6(AR):c.1823G>A (p.Arg608Gln)

Gene: AR (androgen receptor; plus strand). Cytogenetic location: Xq12.
Variant type: single nucleotide variant.
Coding change: c.1823G>A on transcript NM_000044.6 (MANE Select); coding-DNA position 1823, G replaced by A.
Protein change: p.Arg608Gln; replaces arginine 608 with glutamine.
Molecular consequence: missense variant. On other transcripts: 3 prime UTR variant (1).
Genome position (GRCh38, 1-based): chrX:67,686,064, G>A. VCF-style: chrX-67686064-G-A. GRCh37 (hg19) VCF-style: chrX-66905906-G-A.
Other names: R607Q; c.227G>A, p.Arg76Gln (NM_001011645.3); c.1823G>A, p.Arg608Gln (NM_001348061.1, NM_001348063.1); c.*21G>A (NM_001348064.1); short protein forms R608Q, R76Q.
Identifiers: ClinVar variation 9820 (VCV000009820.15), dbSNP rs137852573, ClinGen allele CA120715.

ClinVar aggregate classification (germline): Pathogenic/Likely pathogenic. Review status: criteria provided, multiple submitters, no conflicts (2 of 4 stars). 6 submissions from 6 submitters: Pathogenic (2); Likely pathogenic (3). 1 of the submissions does not count toward it. Last evaluated 2025-12-24.

Conditions:
AR-related disorders.
Kennedy disease (SMAX1). Also called: KENNEDY SPINAL AND BULBAR MUSCULAR ATROPHY; Spinal and Bulbar Muscular Atrophy; SPINAL AND BULBAR MUSCULAR ATROPHY, X-LINKED 1. Identifiers: Orphanet 481, MedGen C1839259, MONDO:0010735, OMIM 313200.
Androgen resistance syndrome (AIS). Also called: Androgen insensitivity syndrome; DIHYDROTESTOSTERONE RECEPTOR DEFICIENCY; Androgen insensitivity syndrome due to coactivator deficiency; Androgen insensitivity; Androgen insensitivity, complete; TESTICULAR FEMINIZATION SYNDROME. Identifiers: Orphanet 754, Orphanet 99429, MedGen C0039585, MONDO:0019154, OMIM 300068. Disease mechanism: loss of function.
Partial androgen insensitivity syndrome (PAIS). Also called: Reifenstein syndrome, partial; Androgen resistance syndrome, partial; Type I familial incomplete male pseudohermaphroditism; Reifenstein syndrome; Gynecomastia, familial; Pseudohermaphroditism, Incomplete male, type I. Identifiers: Orphanet 90797, MedGen C0268301, MONDO:0010720, OMIM 312300.

Submissions (6):

3billion
Classification: Likely pathogenic for Androgen resistance syndrome. Last evaluated: 2025-12-24. Review status: criteria provided, single submitter. Criteria: ACMG Guidelines, 2015. Collection method: clinical testing. Allele origin: germline. Affected: yes.
Comment: The variant is not observed in the gnomAD v4.1.0 dataset. Predicted Consequence/Location: Missense variant In silico tool predictions suggest damaging effect of the variant on gene or gene product [REVEL: 0.94 (>=0.6, sensitivity 0.68 and specificity 0.92); 3Cnet: 0.83 (> 0.75, sensitivity 0.96 and precision 0.92)]. The same nucleotide change resulting in the same amino acid change has been previously reported as pathogenic/likely pathogenic with strong evidence (ClinVar ID: VCV000009820 /PMID: 1303262). Therefore, this variant is classified as Likely pathogenic according to the recommendation of ACMG/AMP guideline.

Labcorp Genetics (formerly Invitae), Labcorp
Classification: Pathogenic for Kennedy disease; Androgen resistance syndrome. Last evaluated: 2024-10-28. Review status: criteria provided, single submitter. Criteria: Invitae Variant Classification Sherloc (09022015). Collection method: clinical testing. Allele origin: germline.
Comment: This sequence change replaces arginine, which is basic and polar, with glutamine, which is neutral and polar, at codon 608 of the AR protein (p.Arg608Gln). This variant is not present in population databases (gnomAD no frequency). This missense change has been observed in individual(s) with androgen insensitivity syndrome (PMID: 1303262, 9543136, 10221692, 11788616, 32345305, 32985417). It has also been observed to segregate with disease in related individuals. ClinVar contains an entry for this variant (Variation ID: 9820). Invitae Evidence Modeling of protein sequence and biophysical properties (such as structural, functional, and spatial information, amino acid conservation, physicochemical variation, residue mobility, and thermodynamic stability) indicates that this missense variant is expected to disrupt AR protein function with a positive predictive value of 80%. For these reasons, this variant has been classified as Pathogenic.

Genetic Services Laboratory, University of Chicago
Classification: Likely pathogenic. Last evaluated: 2020-06-03. Review status: criteria provided, single submitter. Criteria: ACMG Guidelines, 2015. Collection method: clinical testing. Allele origin: germline. Affected: yes.
Comment: DNA sequence analysis of the AR gene demonstrated a sequence change, c.1823G>A, in exon 3 that results in an amino acid change, p.Arg608Gln. The p.Arg608Gln change affects a highly conserved amino acid residue located in a DNA binding domain of the AR protein that is known to be functional. The p.Arg608Gln substitution appears to be deleterious using several in-silico pathogenicity prediction tools (SIFT, PolyPhen2, Align GVGD, REVEL).This particular amino acid change has been described in the literature in other patients with both partial and complete androgen insensitivity and Reifenstein syndrome (PMIDs: 9039340, 9543136, 8723113, 1303262, 10221692). This sequence change absent from the large population databases such as ExAC and gnomAD (dbSNP rs137852573). The p.Arg608Gln amino acid change occurs in a region of the AR gene where other missense sequence changes have been described in patients with AR-related disorders. These collective evidences indicate that this sequence change is likely pathogenic.

Blueprint Genetics
Classification: Pathogenic for AR-related disorders. Last evaluated: 2019-01-28. Review status: criteria provided, single submitter. Criteria: ACMG Guidelines, 2015. Collection method: clinical testing. Allele origin: germline. Affected: yes. Observed: 1 variant allele.

GeneDx
Classification: Likely pathogenic. Last evaluated: 2017-02-13. Review status: criteria provided, single submitter. Criteria: GeneDx Variant Classification (06012015). Collection method: clinical testing. Allele origin: germline. Affected: yes.
Comment: R608Q was not observed in approximately 6,500 individuals of European and African American ancestry in the NHLBI Exome Sequencing Project, indicating it is not a common benign variant in these populations. The R608Q variant is a semi-conservative amino acid substitution, that occurs at a position that is conserved across species. In silico analysis predicts this subsitution is probably damaging to the protein structure/function. Missense variants in nearby residues (T603P, I604N, D605Y, R609K, R609M, N611T) have been reported in the Human Gene Mutation Database in association with androgen insensitivity syndrome (Stenson et al., 2014), supporting the functional importance of this region of the protein. Given the available evidence, we interpret R608Q as a pathogenic variant.

OMIM
Classification: Pathogenic for ANDROGEN INSENSITIVITY, PARTIAL, WITH OR WITHOUT BREAST CANCER. Last evaluated: 1998-04-01. Review status: no assertion criteria provided. Collection method: literature only. Allele origin: germline. Not counted in ClinVar's aggregate classification.

Literature cited by the submitters: PubMed 1303262 (cited by 3 submitters); PubMed 9543136 (cited by Labcorp Genetics (formerly Invitae), Labcorp and OMIM); PubMed 10221692 (cited by Labcorp Genetics (formerly Invitae), Labcorp); PubMed 11788616 (cited by Labcorp Genetics (formerly Invitae), Labcorp); PubMed 32345305 (cited by Labcorp Genetics (formerly Invitae), Labcorp); PubMed 32985417 (cited by Labcorp Genetics (formerly Invitae), Labcorp).